The following is an entry in ClinVar:

NM_001330723.2(SNX27):c.1486A>C (p.Lys496Gln)

Gene: SNX27 (sorting nexin 27; plus strand). Cytogenetic location: 1q21.3.
Variant type: single nucleotide variant.
Coding change: c.1486A>C on transcript NM_001330723.2 (MANE Select); coding-DNA position 1486, A replaced by C.
Protein change: p.Lys496Gln; replaces lysine 496 with glutamine.
Molecular consequence: missense variant.
Genome position (GRCh38, 1-based): chr1:151,693,007, A>C. VCF-style: chr1-151693007-A-C. GRCh37 (hg19) VCF-style: chr1-151665483-A-C.
Other names: c.1486A>C (NM_030918.5); c.1486A>C, p.Lys496Gln (NM_030918.6); short protein forms K496Q.
Identifiers: ClinVar variation 2106127 (VCV002106127.2), dbSNP rs2525156932, ClinGen allele CA341973268.

ClinVar aggregate classification (germline): Uncertain significance. Review status: criteria provided, multiple submitters, no conflicts (2 of 4 stars). 2 submissions from 2 submitters: Uncertain significance (2). Last evaluated 2026-06-29.

Conditions:
Inborn genetic diseases. Identifiers: MedGen C0950123, MeSH D030342.
Severe myoclonic epilepsy in infancy (DRVT). Also called: Epileptic encephalopathy, early infantile, 6 (Dravet syndrome); SEVERE MYOCLONIC EPILEPSY OF INFANCY; DEVELOPMENTAL AND EPILEPTIC ENCEPHALOPATHY 6A; Severe Myoclonic Epilepsy in Infancy (SMEI); Dravet syndrome. Identifiers: Orphanet 33069, MedGen C0751122, MONDO:0100135, OMIM 607208.

Submissions (2):

Ambry Genetics
Classification: Uncertain significance for Inborn genetic diseases. Last evaluated: 2026-06-29. Review status: criteria provided, single submitter. Criteria: Ambry Variant Classification Scheme 2023. Collection method: clinical testing. Allele origin: germline.

Labcorp Genetics (formerly Invitae), Labcorp
Classification: Uncertain significance for Severe myoclonic epilepsy in infancy. Last evaluated: 2022-03-04. Review status: criteria provided, single submitter. Criteria: Invitae Variant Classification Sherloc (09022015). Collection method: clinical testing. Allele origin: germline.
Comment: This sequence change replaces lysine, which is basic and polar, with glutamine, which is neutral and polar, at codon 496 of the SNX27 protein (p.Lys496Gln). This variant is not present in population databases (gnomAD no frequency). This variant has not been reported in the literature in individuals affected with SNX27-related conditions. Algorithms developed to predict the effect of missense changes on protein structure and function are either unavailable or do not agree on the potential impact of this missense change (SIFT: "Deleterious"; PolyPhen-2: "Probably Damaging"; Align-GVGD: "Class C0"). In summary, the available evidence is currently insufficient to determine the role of this variant in disease. Therefore, it has been classified as a Variant of Uncertain Significance.